The following is an entry in ClinVar:

ClinVar aggregate classification (germline): Pathogenic. Review status: criteria provided, multiple submitters, no conflicts (2 of 4 stars). 8 submissions from 8 submitters: Pathogenic (4). 4 of the submissions do not count toward it. Last evaluated 2026-01-26.

Conditions:
Infantile myofibromatosis (IMF). Also called: Congenital generalized fibromatosis. Identifiers: Orphanet 2591, MedGen C0432284, MONDO:0016824.
Skeletal overgrowth-craniofacial dysmorphism-hyperelastic skin-white matter lesions syndrome. Also called: SKELETAL OVERGROWTH WITH FACIAL DYSMORPHISM, HYPERELASTIC SKIN, WHITE MATTER LESIONS, AND NEUROLOGIC DETERIORATION; Kosaki overgrowth syndrome. Identifiers: Orphanet 477831, MedGen C4225270, MONDO:0014704, OMIM 616592.
Basal ganglia calcification, idiopathic, 4 (PFBC4). Also called: PRIMARY FAMILIAL BRAIN CALCIFICATION 4, AUTOSOMAL DOMINANT; Familial Idiopathic Basal Ganglia Calcification 4. Identifiers: Orphanet 1980, MedGen C3554321, MONDO:0014004, OMIM 615007.
Acroosteolysis-keloid-like lesions-premature aging syndrome. Also called: Premature aging syndrome, Penttinen type; Prematurely aged appearance, delayed bone maturation, acro-osteolysis, and brachydactyly; Progeroid syndrome, Penttinen type. Identifiers: Orphanet 363665, MedGen C1866182, MONDO:0011150, OMIM 601812.
Myofibromatosis, infantile, 1. Also called: Myofibromatosis, juvenile. Identifiers: Orphanet 2591, MedGen C4551572, MONDO:0009227, OMIM 228550.
Hydrocephalus (HYC). Identifiers: MedGen C0020255, MONDO:0001150, HP:0000238.
Inborn genetic diseases. Identifiers: MedGen C0950123, MeSH D030342.
Dandy-Walker syndrome (DWS). Identifiers: Orphanet 217, MedGen C0010964, MeSH D003616, MONDO:0009072, OMIM 220200.

Submissions (8):

Ambry Genetics
Classification: Pathogenic for Inborn genetic diseases. Last evaluated: 2026-01-26. Review status: criteria provided, single submitter. Criteria: Ambry Variant Classification Scheme 2023. Collection method: clinical testing. Allele origin: germline.
Comment: The c.1696T>C (p.W566R) alteration is located in exon 12 (coding exon 11) of the PDGFRB gene. This alteration results from a T to C substitution at nucleotide position 1696, causing the tryptophan (W) at amino acid position 566 to be replaced by an arginine (R). for PDGFRB-related disorders; however, its clinical significance for PDGFRB-related primary brain calcification is uncertain. This variant was not reported in population-based cohorts in the Genome Aggregation Database (gnomAD). This variant was reported in individual(s) with features consistent with PDGFRB-related disorders; in at least one individual, it was determined to be de novo (Minatogawa, 2017; Zarate, 2019). This amino acid position is highly conserved in available vertebrate species. This missense variant is located in a region that has a low rate of benign missense variation (Lek, 2016; Firth, 2009). In an assay testing PDGFRB function, this variant showed a functionally abnormal result (Arts, 2017). This alteration is predicted to be deleterious by in silico analysis. Based on the available evidence, this alteration is classified as pathogenic.

GeneDx
Classification: Pathogenic. Last evaluated: 2025-06-02. Review status: criteria provided, single submitter. Criteria: GeneDx Variant Classification Process June 2021. Collection method: clinical testing. Allele origin: germline. Affected: yes.
Comment: Published functional studies demonstrate W566R was constitutively activated in contrast to the unstimulated wild-type receptor and was constitutively phosphorylated on tyrosines in NIH3T3 fibroblasts (PMID: 28334876); Not observed at significant frequency in large population cohorts (gnomAD); In silico analysis supports that this missense variant has a deleterious effect on protein structure/function; This variant is associated with the following publications: (PMID: 28334876, 32500973, 33979467, 33726816, 33057194, 35982159, 31710779, 28639748, 30941910, 31474318)

Labcorp Genetics (formerly Invitae), Labcorp
Classification: Pathogenic for Basal ganglia calcification, idiopathic, 4; Skeletal overgrowth-craniofacial dysmorphism-hyperelastic skin-white matter lesions syndrome; Infantile myofibromatosis; Acroosteolysis-keloid-like lesions-premature aging syndrome. Last evaluated: 2024-09-08. Review status: criteria provided, single submitter. Criteria: Invitae Variant Classification Sherloc (09022015). Collection method: clinical testing. Allele origin: germline.
Comment: This sequence change replaces tryptophan, which is neutral and slightly polar, with arginine, which is basic and polar, at codon 566 of the PDGFRB protein (p.Trp566Arg). This variant is not present in population databases (gnomAD no frequency). This missense change has been observed in individual(s) with Kosaki overgrowth syndrome (PMID: 28639748, 30941910). In at least one individual the variant was observed to be de novo. ClinVar contains an entry for this variant (Variation ID: 375682). Invitae Evidence Modeling of protein sequence and biophysical properties (such as structural, functional, and spatial information, amino acid conservation, physicochemical variation, residue mobility, and thermodynamic stability) has been performed for this missense variant. However, the output from this modeling did not meet the statistical confidence thresholds required to predict the impact of this variant on PDGFRB protein function. For these reasons, this variant has been classified as Pathogenic.

Victorian Clinical Genetics Services, Murdoch Childrens Research Institute
Classification: Pathogenic for Skeletal overgrowth-craniofacial dysmorphism-hyperelastic skin-white matter lesions syndrome. Last evaluated: 2020-05-21. Review status: criteria provided, single submitter. Criteria: ACMG Guidelines, 2015. Collection method: clinical testing. Allele origin: germline. Inheritance: Autosomal dominant inheritance. Affected: yes.
Comment: Based on the classification scheme VCGS_Germline_v1.1.1, this variant is classified as Pathogenic. Following criteria are met: 0103 - Both loss- and gain-of-function are known mechanisms of disease for this gene. Loss-of-function: idiopathic basal ganglia calcification (IBGC) syndrome Type 4. Gain-of-Function: infantile myofibromatosis, Penttinen syndrome, and Kosaki overgrowth syndrome (PMID: 31004414) (N) 0107 - This gene is known to be associated with autosomal dominant disease. (N) 0200 - Variant is predicted to result in a missense amino acid change from tryptophan to arginine (exon 12). (N) 0251 - Variant is heterozygous. (N) 0301 - Variant is absent from gnomAD. (P) 0501 - Missense variant consistently predicted to be damaging by multiple in-silico tools or highly conserved with a major amino acid change. (P) 0600 - Variant is located in an annotated domain or motif (juxtamembrane domain (PMID: 30941910). (N) 0705 - No comparable variants have previous evidence for pathogenicity. (N) 0801 - Strong previous evidence of pathogenicity in unrelated individuals (ClinVar, Minatogawa, M. et al. (2017), PMID: 28639748, 30941910). (P) 1001 - Strong functional evidence supporting abnormal protein function. Functional studies on patient cells indicated that the variant constitutively activates the PI3K-AKT pathway (PMID: 30941910). (P) Legend: (P) - Pathogenic, (N) - Neutral, (B) - Benign

OMIM
Classification: Pathogenic for KOSAKI OVERGROWTH SYNDROME. Last evaluated: 2021-07-20. Review status: no assertion criteria provided. Collection method: literature only. Allele origin: germline. Not counted in ClinVar's aggregate classification.

Dobyns Lab, Seattle Children's Research Institute
Classification: Pathogenic for Infantile myofibromatosis 1; Hydrocephalus. Last evaluated: 2019-02-18. Review status: no assertion criteria provided. Collection method: research. Allele origin: germline. Affected: yes. Observed: 1 variant allele. Not counted in ClinVar's aggregate classification.

Demoulin lab, University of Louvain
Classification: Pathogenic for Infantile myofibromatosis. Last evaluated: 2016-12-01. Review status: no assertion criteria provided. Collection method: research, in vitro. Allele origin: somatic, not applicable. Inheritance: Somatic mutation. Affected: yes. Observed: 1 variant allele, 1 heterozygote. Not counted in ClinVar's aggregate classification.
Comment: It activates PDGFRB signaling in cell culture (gain of function). We sequenced PDGFRB in myofibromatosis cases using the Ion Torrent technology. All variants were confirmed by an alternative method (allele specific PCR or Sanger sequencing). Mutants were functionally characterized in experiments based on cell transfection. The two mutations were found in cis (on the same PDGFRB allele).

University of Washington Center for Mendelian Genomics, University of Washington
Classification: Likely pathogenic for Dandy-Walker malformation. Review status: no assertion criteria provided. Collection method: research. Allele origin: de novo. Affected: yes. Not counted in ClinVar's aggregate classification.

Literature cited by the submitters: PubMed 12181311 (cited by Ambry Genetics); PubMed 25292412 (cited by Ambry Genetics); PubMed 28334876 (cited by Ambry Genetics and Demoulin lab, University of Louvain); PubMed 28639748 (cited by 4 submitters); PubMed 30941910 (cited by 3 submitters); PubMed 31004414 (cited by Victorian Clinical Genetics Services, Murdoch Childrens Research Institute); PubMed 31474318 (cited by University of Washington Center for Mendelian Genomics, University of Washington).

NM_002609.4(PDGFRB):c.1696T>C (p.Trp566Arg)

Gene: PDGFRB (platelet derived growth factor receptor beta; minus strand). Cytogenetic location: 5q32.
Variant type: single nucleotide variant.
Coding change: c.1696T>C on transcript NM_002609.4 (MANE Select); coding-DNA position 1696, T replaced by C.
Protein change: p.Trp566Arg; replaces tryptophan 566 with arginine.
Molecular consequence: missense variant.
Genome position (GRCh38, 1-based): chr5:150,125,556, A>G on the plus strand (T>C on the coding strand, the complement: PDGFRB is on the minus strand). VCF-style: chr5-150125556-A-G. GRCh37 (hg19) VCF-style: chr5-149505119-A-G.
Other names: c.1504T>C, p.Trp502Arg (NM_001355016.2); c.1213T>C, p.Trp405Arg (NM_001355017.2); short protein forms W566R, W502R, W405R.
Identifiers: ClinVar variation 375682 (VCV000375682.14), dbSNP rs1060499542, ClinGen allele CA16609705.
Genomic context (GRCh38, chr5:150,125,556, plus strand): 5'-GCATGGGGTCCACGTAGATGTACTCATGGCCGTCAGAGCTCACAGACTCAATCACCTTCC[A>G]TCGGATCTCGTAACGTGGCTTCTGGAGGACCAACCCCAGGAATTAGTTATCAGAGGGAGT-3'
Protein context (NP_002600.1, residues 556-576): WQKKPRYEIR[Trp566Arg]KVIESVSSDG